The following is an entry in ClinVar:

ClinVar aggregate classification (germline): Uncertain significance. Review status: criteria provided, multiple submitters, no conflicts (2 of 4 stars). 2 submissions from 2 submitters: Uncertain significance (2). Last evaluated 2023-07-10.

Conditions:
Developmental and epileptic encephalopathy 6B. Also called: Developmental and epileptic encephalopathy 6B, non-Dravet. Identifiers: MedGen C5543353, MONDO:0030268, OMIM 619317.
Migraine, familial hemiplegic, 3. Identifiers: Orphanet 569, MedGen C1864987, MONDO:0012320, OMIM 609634.
Generalized epilepsy with febrile seizures plus, type 2 (GEFSP2). Also called: GEFS+, TYPE 2. Identifiers: Orphanet 36387, MedGen C1858673, MONDO:0011461, OMIM 604403.
Severe myoclonic epilepsy in infancy (DRVT). Also called: SEVERE MYOCLONIC EPILEPSY OF INFANCY; DEVELOPMENTAL AND EPILEPTIC ENCEPHALOPATHY 6A; Severe Myoclonic Epilepsy in Infancy (SMEI); Dravet syndrome; Epileptic encephalopathy, early infantile, 6 (Dravet syndrome). Identifiers: Orphanet 33069, MedGen C0751122, MONDO:0100135, OMIM 607208.
Developmental and epileptic encephalopathy. Identifiers: MedGen C5779964, MONDO:0100620.

Submissions (2):

Department of Pathology and Laboratory Medicine, Sinai Health System
Classification: Uncertain significance for Generalized epilepsy with febrile seizures plus, type 2; Severe myoclonic epilepsy in infancy; Migraine, familial hemiplegic, 3; Developmental and epileptic encephalopathy 6B. Last evaluated: 2023-07-10. Review status: criteria provided, single submitter. Criteria: ACMG Guidelines, 2015. Collection method: research. Allele origin: germline.

Labcorp Genetics (formerly Invitae), Labcorp
Classification: Uncertain significance for Early-infantile DEE. Last evaluated: 2023-06-27. Review status: criteria provided, single submitter. Criteria: Invitae Variant Classification Sherloc (09022015). Collection method: clinical testing. Allele origin: germline.
Comment: In summary, the available evidence is currently insufficient to determine the role of this variant in disease. Therefore, it has been classified as a Variant of Uncertain Significance. Algorithms developed to predict the effect of sequence changes on RNA splicing suggest that this variant may disrupt the consensus splice site. ClinVar contains an entry for this variant (Variation ID: 1358967). This variant has not been reported in the literature in individuals affected with SCN1A-related conditions. This variant is present in population databases (no rsID available, gnomAD 0.0009%). This sequence change falls in intron 11 of the SCN1A gene. It does not directly change the encoded amino acid sequence of the SCN1A protein.

NM_001165963.4(SCN1A):c.2044-20_2051dup

Gene: SCN1A (sodium voltage-gated channel alpha subunit 1; minus strand). Cytogenetic location: 2q24.3.
Variant type: Duplication.
Coding change: c.2044-20_2051dup on transcript NM_001165963.4 (MANE Select); 20 bases into the intron before coding-DNA position 2044 through coding-DNA position 2051, 28 bases duplicated (ATTAGCATTTTTTTTTACAGGGAACAAC).
Molecular consequence: splice acceptor variant.
Genome position (GRCh38, 1-based): chr2:166,042,417-166,042,444, GTTGTTCCCTGTAAAAAAAAATGCTAAT duplicated on the plus strand (ATTAGCATTTTTTTTTACAGGGAACAAC on the coding strand, the reverse complement: SCN1A is on the minus strand); duplicating any 28 consecutive bases within chr2:166,042,417-166,042,445 gives the same sequence; the c. name uses the placement nearest the transcript's 3' end. VCF-style (leftmost placement, unchanged base first): chr2-166042416-G-GGTTGTTCCCTGTAAAAAAAAATGCTAAT. GRCh37 (hg19) VCF-style: chr2-166898926-G-GGTTGTTCCCTGTAAAAAAAAATGCTAAT.
Other names: c.2011-20_2018dup (NM_001353949.2, NM_001353950.2, NM_001353951.2 and 2 more transcripts); c.1960-20_1967dup (NM_001353958.2, NM_001353957.2, NM_001165964.3); c.2044-20_2051dup (NM_001202435.3, NM_001353948.2); c.2008-20_2015dup (NM_001353955.2, NM_001353954.2); c.1957-20_1964dup (NM_001353960.2); c.-415-20_-408dup (NM_001353961.2).
Identifiers: ClinVar variation 1358967 (VCV001358967.9), dbSNP rs1288412817, ClinGen allele CA537137717.